The following is an entry in ClinVar:

NM_000059.4(BRCA2):c.2599A>G (p.Thr867Ala)

Gene: BRCA2 (BRCA2 DNA repair associated; plus strand). Cytogenetic location: 13q13.1.
Variant type: single nucleotide variant.
Coding change: c.2599A>G on transcript NM_000059.4 (MANE Select); coding-DNA position 2599, A replaced by G.
Protein change: p.Thr867Ala; replaces threonine 867 with alanine.
Molecular consequence: missense variant.
Genome position (GRCh38, 1-based): chr13:32,336,954, A>G. VCF-style: chr13-32336954-A-G. GRCh37 (hg19) VCF-style: chr13-32911091-A-G.
Other names: short protein forms T867A.
Identifiers: ClinVar variation 51312 (VCV000051312.14), dbSNP rs80358522, ClinGen allele CA015783.

ClinVar aggregate classification (germline): Conflicting classifications of pathogenicity. Review status: criteria provided, conflicting classifications (1 of 4 stars). 5 submissions from 5 submitters: Uncertain significance (2); Likely benign (2). 1 of the submissions does not count toward it. Last evaluated 2024-02-09.

Conditions:
Hereditary breast ovarian cancer syndrome. Also called: Hereditary breast and ovarian cancer syndrome; Hereditary breast and ovarian cancer; Hereditary breast and ovarian cancer syndrome (HBOC); Breast and ovarian cancer; Hereditary breast and/or ovarian cancer syndrome; BRCA1- and BRCA2-Associated Hereditary Breast and Ovarian Cancer. Identifiers: Orphanet 145, MedGen C0677776, MeSH D061325, MONDO:0003582. Disease mechanism: loss of function.
Breast-ovarian cancer, familial, susceptibility to, 2 (BROVCA2). Also called: BRCA2 Hereditary Breast and Ovarian Cancer. Identifiers: Orphanet 145, MedGen C2675520, MONDO:0012933, OMIM 612555. Disease mechanism: loss of function.
Hereditary cancer-predisposing syndrome. Also called: Neoplastic Syndromes, Hereditary; Tumor predisposition; Hereditary Cancer Syndrome; Hereditary neoplastic syndrome. Identifiers: Orphanet 140162, MedGen C0027672, MeSH D009386, MONDO:0015356.
Familial cancer of breast. Also called: BREAST CANCER, FAMILIAL; Hereditary breast cancer; hereditary breast carcinoma. Identifiers: Orphanet 227535, MedGen C0346153, MONDO:0016419, OMIM 114480. Disease mechanism: loss of function.

Allele frequency attached by ClinVar (database versions not stated): TOPMed below 0.00001; gnomAD 0.00001.
gnomAD v4.1: 1 of 1,585,288 alleles (0.000063%); highest among the groups gnomAD compares: Non-Finnish European, 0.000085%; no homozygotes.

Submissions (5):

MGZ Medical Genetics Center
Classification: Likely benign for Familial cancer of breast. Last evaluated: 2024-02-09. Review status: criteria provided, single submitter. Criteria: CSpec BRCA1/2ACMG Rules Specifications V1.1.0. Collection method: clinical testing. Allele origin: germline. Affected: yes.
Comment: ACMG codes applied following ENIGMA VCEP rules: BP1_STR, PM2_SUP

University of Washington Department of Laboratory Medicine, University of Washington
Classification: Likely benign for Hereditary cancer-predisposing syndrome. Last evaluated: 2023-03-23. Review status: criteria provided, single submitter. Criteria: Dines et al. (Genet Med. 2020). Collection method: curation. Allele origin: germline.
Comment: Missense variant in a coldspot region where missense variants are very unlikely to be pathogenic (PMID:31911673).

BRCA2 exon 11 coldspot. Reclassification based on statistical prior probability.

Labcorp Genetics (formerly Invitae), Labcorp
Classification: Uncertain significance for Hereditary breast ovarian cancer syndrome. Last evaluated: 2022-05-02. Review status: criteria provided, single submitter. Criteria: Invitae Variant Classification Sherloc (09022015). Collection method: clinical testing. Allele origin: germline.
Comment: ClinVar contains an entry for this variant (Variation ID: 51312). Advanced modeling of protein sequence and biophysical properties (such as structural, functional, and spatial information, amino acid conservation, physicochemical variation, residue mobility, and thermodynamic stability) performed at Invitae indicates that this missense variant is not expected to disrupt BRCA2 protein function. In summary, the available evidence is currently insufficient to determine the role of this variant in disease. Therefore, it has been classified as a Variant of Uncertain Significance. This sequence change replaces threonine, which is neutral and polar, with alanine, which is neutral and non-polar, at codon 867 of the BRCA2 protein (p.Thr867Ala). This variant is not present in population databases (gnomAD no frequency). This variant has not been reported in the literature in individuals affected with BRCA2-related conditions.

Ambry Genetics
Classification: Uncertain significance for Hereditary cancer-predisposing syndrome. Last evaluated: 2016-08-01. Review status: criteria provided, single submitter. Criteria: Ambry Variant Classification Scheme 2023. Collection method: clinical testing. Allele origin: germline.
Comment: The p.T867A variant (also known as c.2599A>G), located in coding exon 10 of the BRCA2 gene, results from an A to G substitution at nucleotide position 2599. The threonine at codon 867 is replaced by alanine, an amino acid with similar properties. This variant was previously reported in the SNPDatabase as rs80358522, but was absent from population-based cohorts in the NHLBI Exome Sequencing Project (ESP) and 1000 Genomes Project databases. To date, this alteration has been detected with an allele frequency of approximately 0.0003% (greater than 300000 alleles tested) in our clinical cohort. This amino acid position is not well conserved in available vertebrate species. In addition, this alteration is predicted to be tolerated by in silico analysis. Since supporting evidence is limited at this time, the clinical significance of this alteration remains unclear.

Breast Cancer Information Core (BIC) (BRCA2)
Classification: Uncertain significance for Breast-ovarian cancer, familial 2. Last evaluated: 2004-02-20. Review status: no assertion criteria provided. Collection method: clinical testing. Allele origin: germline. Affected: yes. Observed: 1 variant allele. Not counted in ClinVar's aggregate classification.